The following is an entry in ClinVar:

NM_000302.4(PLOD1):c.1391G>A (p.Gly464Asp)

Gene: PLOD1 (procollagen-lysine,2-oxoglutarate 5-dioxygenase 1; plus strand). Cytogenetic location: 1p36.22.
Variant type: single nucleotide variant.
Coding change: c.1391G>A on transcript NM_000302.4 (MANE Select); coding-DNA position 1391, G replaced by A.
Protein change: p.Gly464Asp; replaces glycine 464 with aspartic acid.
Molecular consequence: missense variant.
Genome position (GRCh38, 1-based): chr1:11,964,706, G>A. VCF-style: chr1-11964706-G-A. GRCh37 (hg19) VCF-style: chr1-12024763-G-A.
Other names: c.1532G>A, p.Gly511Asp (NM_001316320.2); short protein forms G464D, G511D.
Identifiers: ClinVar variation 3420921 (VCV003420921.1).

ClinVar aggregate classification (germline): Uncertain significance (1 of 4 stars; one submission).

Conditions:
Familial thoracic aortic aneurysm and aortic dissection (TAAD). Also called: Thoracic aortic aneurysms and dissections. Identifiers: Orphanet 91387, MedGen C4707243, MONDO:0019625.

Submission:

Ambry Genetics
Classification: Uncertain significance for Familial thoracic aortic aneurysm and aortic dissection. Last evaluated: 2024-06-30. Review status: criteria provided, single submitter. Criteria: Ambry Variant Classification Scheme 2023. Collection method: clinical testing. Allele origin: germline.
Comment: The p.G464D variant (also known as c.1391G>A), located in coding exon 13 of the PLOD1 gene, results from a G to A substitution at nucleotide position 1391. The glycine at codon 464 is replaced by aspartic acid, an amino acid with similar properties. This amino acid position is conserved. In addition, this alteration is predicted to be tolerated by in silico analysis. Based on the available evidence, the clinical significance of this variant remains unclear.